The following is an entry in ClinVar:

ClinVar aggregate classification (germline): Likely pathogenic (1 of 4 stars; one submission).

Conditions:
Childhood-onset schizophrenia. Also called: Childhood schizophrenia. Identifiers: Orphanet 641496, MedGen C0036346, MONDO:0957430.

Submission:

Dr. Guy Rouleau's laboratory, McGill University
Classification: Likely pathogenic for Childhood Onset Schizophrenia. Last evaluated: 2014-01-01. Review status: criteria provided, single submitter. Criteria: Submitter's publication. Collection method: research. Allele origin: de novo. Affected: yes. Observed: 1 variant allele.
Comment: Identified by next generation sequencing and validated by Sanger sequencing

NM_207361.6(FREM2):c.8351G>A (p.Arg2784Lys)

Gene: FREM2 (FRAS1 related extracellular matrix 2; plus strand). Cytogenetic location: 13q13.3.
Variant type: single nucleotide variant.
Coding change: c.8351G>A on transcript NM_207361.6 (MANE Select); coding-DNA position 8351, G replaced by A.
Protein change: p.Arg2784Lys; replaces arginine 2784 with lysine.
Molecular consequence: missense variant.
Genome position (GRCh38, 1-based): chr13:38,876,091, G>A. VCF-style: chr13-38876091-G-A. GRCh37 (hg19) VCF-style: chr13-39450228-G-A.
Other names: short protein forms R2784K.
Identifiers: ClinVar variation 208382 (VCV000208382.3), dbSNP rs863223346, ClinGen allele CA279860.
Genomic context (GRCh38, chr13:38,876,091, plus strand): 5'-CAAGCTCAGTGATCATGTCAGCTGATCATCCAGGCCTGACATTTTCCCTCCGCCTCATAA[G>A]GAGTGAACCAACCTATAACCAGCCAGTACAGCAGTGGAGCTTTGTCTCTGACTTTGCCGT-3'
Protein context (NP_997244.4, residues 2774-2794): PGLTFSLRLI[Arg2784Lys]SEPTYNQPVQ